The following is an entry in ClinVar:

NM_000548.5(TSC2):c.2401G>A (p.Ala801Thr)

Gene: TSC2 (TSC complex subunit 2; plus strand). Cytogenetic location: 16p13.3.
Variant type: single nucleotide variant.
Coding change: c.2401G>A on transcript NM_000548.5 (MANE Select); coding-DNA position 2401, G replaced by A.
Protein change: p.Ala801Thr; replaces alanine 801 with threonine.
Molecular consequence: missense variant.
Genome position (GRCh38, 1-based): chr16:2,074,245, G>A. VCF-style: chr16-2074245-G-A. GRCh37 (hg19) VCF-style: chr16-2124246-G-A.
Other names: c.2254G>A, p.Ala752Thr (NM_001406675.1, NM_001406676.1, NM_001406679.1 and 1 more transcripts); c.2344G>A, p.Ala782Thr (NM_001406677.1); c.2290G>A, p.Ala764Thr (NM_001406678.1, NM_001318827.2, NM_001406670.1); c.1801G>A, p.Ala601Thr (NM_001406680.1, NM_001406682.1, NM_001406683.1 and 6 more transcripts); c.1939G>A, p.Ala647Thr (NM_001406681.1); c.2401G>A, p.Ala801Thr (NM_001077183.3, NM_001114382.3, NM_001363528.2 and 6 more transcripts); c.2434G>A, p.Ala812Thr (NM_001318832.2); c.2491G>A, p.Ala831Thr (NM_001406667.1, NM_001406668.1); and 3 more; short protein forms A353T, A764T, A831T, A812T, A752T, A801T, A267T, A601T.
Identifiers: ClinVar variation 2135181 (VCV002135181.5), dbSNP rs2543815021, ClinGen allele CA394277120.
Genomic context (GRCh38, chr16:2,074,245, plus strand): 5'-TCCTGTCTCCTGCAGCGCGAGATGGTCTACTGCCTGGAGCAGGGCCTCATCCACCGCTGT[G>A]CCAGCCAGTGCGTCGTGGCCTTGTCCATCTGCAGCGTGGAGATGCCTGACATCATCATCA-3'
Protein context (NP_000539.2, residues 791-811): CLEQGLIHRC[Ala801Thr]SQCVVALSIC

ClinVar aggregate classification (germline): Uncertain significance. Review status: criteria provided, multiple submitters, no conflicts (2 of 4 stars). 2 submissions from 2 submitters: Uncertain significance (2). Last evaluated 2026-07-15.

Conditions:
Tuberous sclerosis 2 (TSC2). Identifiers: Orphanet 805, MedGen C1860707, MONDO:0013199, OMIM 613254.
Hereditary cancer-predisposing syndrome. Also called: Tumor predisposition; Hereditary Cancer Syndrome; Hereditary neoplastic syndrome; Neoplastic Syndromes, Hereditary. Identifiers: Orphanet 140162, MedGen C0027672, MeSH D009386, MONDO:0015356.

Submissions (2):

Ambry Genetics
Classification: Uncertain significance for Hereditary cancer-predisposing syndrome. Last evaluated: 2026-07-15. Review status: criteria provided, single submitter. Criteria: Ambry Variant Classification Scheme 2023. Collection method: clinical testing. Allele origin: germline.
Comment: The p.A801T variant (also known as c.2401G>A), located in coding exon 21 of the TSC2 gene, results from a G to A substitution at nucleotide position 2401. The alanine at codon 801 is replaced by threonine, an amino acid with similar properties. This amino acid position is highly conserved in available vertebrate species. In addition, this alteration is predicted to be deleterious by in silico analysis. Based on the available evidence, the clinical significance of this variant remains unclear.

Labcorp Genetics (formerly Invitae), Labcorp
Classification: Uncertain significance for Tuberous sclerosis 2. Last evaluated: 2022-06-01. Review status: criteria provided, single submitter. Criteria: Invitae Variant Classification Sherloc (09022015). Collection method: clinical testing. Allele origin: germline.
Comment: This sequence change replaces alanine, which is neutral and non-polar, with threonine, which is neutral and polar, at codon 801 of the TSC2 protein (p.Ala801Thr). This variant is not present in population databases (gnomAD no frequency). This variant has not been reported in the literature in individuals affected with TSC2-related conditions. Advanced modeling of protein sequence and biophysical properties (such as structural, functional, and spatial information, amino acid conservation, physicochemical variation, residue mobility, and thermodynamic stability) performed at Invitae indicates that this missense variant is not expected to disrupt TSC2 protein function. In summary, the available evidence is currently insufficient to determine the role of this variant in disease. Therefore, it has been classified as a Variant of Uncertain Significance.